The following is an entry in ClinVar:

NM_002691.4(POLD1):c.1903G>C (p.Asp635His)

Gene: POLD1 (DNA polymerase delta 1, catalytic subunit; plus strand). Cytogenetic location: 19q13.33.
Variant type: single nucleotide variant.
Coding change: c.1903G>C on transcript NM_002691.4 (MANE Select); coding-DNA position 1903, G replaced by C.
Protein change: p.Asp635His; replaces aspartic acid 635 with histidine.
Molecular consequence: missense variant. On other transcripts: non-coding transcript variant (1).
Genome position (GRCh38, 1-based): chr19:50,409,132, G>C. VCF-style: chr19-50409132-G-C. GRCh37 (hg19) VCF-style: chr19-50912389-G-C.
Other names: c.1903G>C, p.Asp635His (NM_001256849.1); c.1981G>C, p.Asp661His (NM_001308632.1); c.1903G>C (NM_002691.2); short protein forms D661H, D635H.
Identifiers: ClinVar variation 2015373 (VCV002015373.5), dbSNP rs2514014908, ClinGen allele CA406982206.

ClinVar aggregate classification (germline): Uncertain significance. Review status: criteria provided, multiple submitters, no conflicts (2 of 4 stars). 2 submissions from 2 submitters: Uncertain significance (2). Last evaluated 2025-01-05.

Conditions:
POLD1-related polyposis and colorectal cancer syndrome (CRCS10). Also called: Colorectal cancer 10; COLORECTAL CANCER, SUSCEPTIBILITY TO, ON CHROMOSOME 19q; Colorectal cancer, susceptibility to, 10. Identifiers: Orphanet 220460, MedGen C2675481, MONDO:0012953, OMIM 612591.
Hereditary cancer-predisposing syndrome. Also called: Tumor predisposition; Neoplastic Syndromes, Hereditary; Hereditary Cancer Syndrome; Hereditary neoplastic syndrome. Identifiers: Orphanet 140162, MedGen C0027672, MeSH D009386, MONDO:0015356.

Submissions (2):

Labcorp Genetics (formerly Invitae), Labcorp
Classification: Uncertain significance for POLD1-related polyposis and colorectal cancer syndrome. Last evaluated: 2025-01-05. Review status: criteria provided, single submitter. Criteria: Invitae Variant Classification Sherloc (09022015). Collection method: clinical testing. Allele origin: germline.
Comment: This sequence change replaces aspartic acid, which is acidic and polar, with histidine, which is basic and polar, at codon 635 of the POLD1 protein (p.Asp635His). This variant is not present in population databases (gnomAD no frequency). This variant has not been reported in the literature in individuals affected with POLD1-related conditions. ClinVar contains an entry for this variant (Variation ID: 2015373). Invitae Evidence Modeling of protein sequence and biophysical properties (such as structural, functional, and spatial information, amino acid conservation, physicochemical variation, residue mobility, and thermodynamic stability) indicates that this missense variant is not expected to disrupt POLD1 protein function with a negative predictive value of 80%. In summary, the available evidence is currently insufficient to determine the role of this variant in disease. Therefore, it has been classified as a Variant of Uncertain Significance.

Ambry Genetics
Classification: Uncertain significance for Hereditary cancer-predisposing syndrome. Last evaluated: 2024-06-16. Review status: criteria provided, single submitter. Criteria: Ambry Variant Classification Scheme 2023. Collection method: clinical testing. Allele origin: germline.
Comment: The p.D635H variant (also known as c.1903G>C), located in coding exon 15 of the POLD1 gene, results from a G to C substitution at nucleotide position 1903. The aspartic acid at codon 635 is replaced by histidine, an amino acid with similar properties. This amino acid position is conserved. In addition, this alteration is predicted to be tolerated by in silico analysis. Based on the available evidence, the clinical significance of this variant remains unclear.